The following is an entry in ClinVar:

NM_017617.5(NOTCH1):c.5019-2A>G

Gene: NOTCH1 (notch receptor 1; minus strand). Cytogenetic location: 9q34.3.
Variant type: single nucleotide variant.
Coding change: c.5019-2A>G on transcript NM_017617.5 (MANE Select); the canonical splice acceptor site of the intron before coding-DNA position 5019, A replaced by G.
Molecular consequence: splice acceptor variant.
Genome position (GRCh38, 1-based): chr9:136,503,332, T>C on the plus strand (A>G on the coding strand, the complement: NOTCH1 is on the minus strand). VCF-style: chr9-136503332-T-C. GRCh37 (hg19) VCF-style: chr9-139397784-T-C.
Identifiers: ClinVar variation 4751222 (VCV004751222.1).

ClinVar aggregate classification (germline): Likely pathogenic (1 of 4 stars; one submission).

Conditions:
Adams-Oliver syndrome 5 (AOS5). Identifiers: Orphanet 974, MedGen C4014970, MONDO:0014459, OMIM 616028.

Submission:

Labcorp Genetics (formerly Invitae), Labcorp
Classification: Likely pathogenic for Adams-Oliver syndrome 5. Last evaluated: 2025-12-31. Review status: criteria provided, single submitter. Criteria: Invitae Variant Classification Sherloc (09022015). Collection method: clinical testing. Allele origin: germline.
Comment: This sequence change affects an acceptor splice site in intron 26 of the NOTCH1 gene. It is expected to disrupt RNA splicing. Variants that disrupt the donor or acceptor splice site typically lead to a loss of protein function (PMID: 16199547), and loss-of-function variants in NOTCH1 are known to be pathogenic (PMID: 16025100, 21457232, 25132448, 25963545, 32720365, 33630301). This variant is not present in population databases (gnomAD no frequency). Disruption of this splice site has been observed in individual(s) with congenital heart disease (internal data). Algorithms developed to predict the effect of sequence changes on RNA splicing suggest that this variant may disrupt the consensus splice site. In summary, the currently available evidence indicates that the variant is pathogenic, but additional data are needed to prove that conclusively. Therefore, this variant has been classified as Likely Pathogenic.

Literature cited by the submitters: PubMed 16199547; PubMed 16025100; PubMed 21457232; PubMed 25132448; PubMed 25963545; PubMed 32720365; PubMed 33630301.